The following is an entry in ClinVar:

NM_000168.6(GLI3):c.2960A>G (p.Tyr987Cys)

Gene: GLI3 (GLI family zinc finger 3; minus strand). Cytogenetic location: 7p14.1.
Variant type: single nucleotide variant.
Coding change: c.2960A>G on transcript NM_000168.6 (MANE Select); coding-DNA position 2960, A replaced by G.
Protein change: p.Tyr987Cys; replaces tyrosine 987 with cysteine.
Molecular consequence: missense variant.
Genome position (GRCh38, 1-based): chr7:41,966,113, T>C on the plus strand (A>G on the coding strand, the complement: GLI3 is on the minus strand). VCF-style: chr7-41966113-T-C. GRCh37 (hg19) VCF-style: chr7-42005711-T-C.
Other names: short protein forms Y987C.
Identifiers: ClinVar variation 360234 (VCV000360234.6), dbSNP rs777313061, ClinGen allele CA4230492.

ClinVar aggregate classification (germline): Conflicting classifications of pathogenicity. Review status: criteria provided, conflicting classifications (1 of 4 stars). 4 submissions from 2 submitters: Uncertain significance (1); Benign (3). Last evaluated 2024-11-25.

Conditions:
Pallister-Hall syndrome (PHS). Also called: HYPOTHALAMIC HAMARTOBLASTOMA, HYPOPITUITARISM, IMPERFORATE ANUS, AND POSTAXIAL POLYDACTYLY; GLI3-Related Pallister-Hall Syndrome. Identifiers: Orphanet 672, MedGen C0265220, MONDO:0007804, OMIM 146510.
Greig cephalopolysyndactyly syndrome (GCPS). Also called: POLYSYNDACTYLY WITH PECULIAR SKULL SHAPE; Greig syndrome; GLI3-Related Greig Cephalopolysyndactyly Syndrome. Identifiers: Orphanet 380, MedGen C0265306, MONDO:0008287, OMIM 175700.
Inborn genetic diseases. Identifiers: MedGen C0950123, MeSH D030342.
Polydactyly. Also called: polydactylism. Identifiers: MedGen C0152427, MONDO:0021003, OMIM 603596, HP:0010442.

Allele frequency attached by ClinVar (database versions not stated): gnomAD exomes 0.00002 and 0.00004; TOPMed 0.00002; gnomAD 0.00003; ExAC 0.00004.
gnomAD v4.1: 66 of 1,577,058 alleles (0.0042%); highest among the groups gnomAD compares: Non-Finnish European, 0.0056%; no homozygotes.

Submissions (4):

Ambry Genetics
Classification: Uncertain significance for Inborn genetic diseases. Last evaluated: 2024-11-25. Review status: criteria provided, single submitter. Criteria: Ambry Variant Classification Scheme 2023. Collection method: clinical testing. Allele origin: germline.

Illumina Laboratory Services, Illumina
Classification: Benign for Greig cephalopolysyndactyly syndrome. Last evaluated: 2018-01-12. Review status: criteria provided, single submitter. Criteria: ICSL Variant Classification Criteria 13 December 2019. Collection method: clinical testing. Allele origin: germline.
Comment: This variant was observed in the ICSL laboratory as part of a predisposition screen in an ostensibly healthy population. It had not been previously curated by ICSL or reported in the Human Gene Mutation Database (HGMD: prior to June 1st, 2018), and was therefore a candidate for classification through an automated scoring system. Utilizing variant allele frequency, disease prevalence and penetrance estimates, and inheritance mode, an automated score was calculated to assess if this variant is too frequent to cause the disease. Based on the score and internal cut-off values, a variant classified as benign is not then subjected to further curation. The score for this variant resulted in a classification of benign for this disease.

Illumina Laboratory Services, Illumina
Classification: Benign for Polydactyly. Last evaluated: 2018-01-12. Review status: criteria provided, single submitter. Criteria: ICSL Variant Classification Criteria 13 December 2019. Collection method: clinical testing. Allele origin: germline.
Comment: the same text as in the submission from Illumina Laboratory Services, Illumina above.

Illumina Laboratory Services, Illumina
Classification: Benign for Pallister-Hall syndrome. Last evaluated: 2018-01-12. Review status: criteria provided, single submitter. Criteria: ICSL Variant Classification Criteria 13 December 2019. Collection method: clinical testing. Allele origin: germline.
Comment: the same text as in the submission from Illumina Laboratory Services, Illumina above.